The following is an entry in ClinVar:

NM_007286.6(SYNPO):c.2154C>A (p.Ser718Arg)

Genes: SYNPO (synaptopodin; plus strand), LOC129995010 (ATAC-STARR-seq lymphoblastoid silent region 16515; plus strand). Cytogenetic location: 5q33.1.
Variant type: single nucleotide variant.
Coding change: c.2154C>A on transcript NM_007286.6 (MANE Select); coding-DNA position 2154, C replaced by A.
Protein change: p.Ser718Arg; replaces serine 718 with arginine.
Molecular consequence: missense variant.
Genome position (GRCh38, 1-based): chr5:150,656,529, C>A. VCF-style: chr5-150656529-C-A. GRCh37 (hg19) VCF-style: chr5-150036091-C-A.
Other names: short protein forms S718R.
Identifiers: ClinVar variation 3323977 (VCV003323977.2).
Genomic context (GRCh38, chr5:150,656,529, plus strand): 5'-CCTAGACGGCTGGGTGAGCCCGGGCCCGTGGGAGCCAGGTCGCGGGAGCAGCATGAGCAG[C>A]CCCCCGCCGCTGCCGCCGCCACCGCCCATGTCTCCCTCGTGGAGCGAGCGCTCGGTGTCC-3'
Protein context (NP_009217.3, residues 708-728): WEPGRGSSMS[Ser718Arg]PPPLPPPPPM

ClinVar aggregate classification (germline): Uncertain significance. Review status: criteria provided, multiple submitters, no conflicts (2 of 4 stars). 2 submissions from 2 submitters: Uncertain significance (2). Last evaluated 2025-02-13.

gnomAD v4.1: 5 of 1,528,590 alleles (0.00033%); highest among the groups gnomAD compares: East Asian, 0.005%; no homozygotes.

Submissions (2):

Labcorp Genetics (formerly Invitae), Labcorp
Classification: Uncertain significance. Last evaluated: 2025-02-13. Review status: criteria provided, single submitter. Criteria: Invitae Variant Classification Sherloc (09022015). Collection method: clinical testing. Allele origin: germline.
Comment: This sequence change replaces serine, which is neutral and polar, with arginine, which is basic and polar, at codon 718 of the SYNPO protein (p.Ser718Arg). This variant is present in population databases (no rsID available, gnomAD 0.03%). This variant has not been reported in the literature in individuals affected with SYNPO-related conditions. ClinVar contains an entry for this variant (Variation ID: 3323977). An algorithm developed to predict the effect of missense changes on protein structure and function (PolyPhen-2) suggests that this variant is likely to be disruptive. In summary, the available evidence is currently insufficient to determine the role of this variant in disease. Therefore, it has been classified as a Variant of Uncertain Significance.

Ambry Genetics
Classification: Uncertain significance. Last evaluated: 2024-05-02. Review status: criteria provided, single submitter. Criteria: Ambry Variant Classification Scheme 2023. Collection method: clinical testing. Allele origin: germline.